The following is an entry in ClinVar:

ClinVar aggregate classification (germline): Pathogenic (1 of 4 stars; one submission).

Conditions:
Spastic paraplegia. Identifiers: MedGen C0037772, HP:0001258.

Submission:

Labcorp Genetics (formerly Invitae), Labcorp
Classification: Pathogenic for Spastic paraplegia. Last evaluated: 2021-06-04. Review status: criteria provided, single submitter. Criteria: Invitae Variant Classification Sherloc (09022015). Collection method: clinical testing. Allele origin: germline.
Comment: The frequency data for this variant in the population databases is considered unreliable, as metrics indicate insufficient coverage at this position in the ExAC database. This variant has been observed in individual(s) with clinical features of hereditary spastic paraplegia (Invitae). In at least one individual the data is consistent with the variant being in trans (on the opposite chromosome) from a pathogenic variant. Experimental studies and prediction algorithms are not available or were not evaluated, and the functional significance of this variant is currently unknown. This variant disrupts the initiator methionine in FA2H. If translation initiates from the next-in-frame methionine, the FA2H protein would no longer include the region containing p.Glu78 amino acid residue. Other variant(s) that disrupt this residue have been observed in individuals with FA2H-related conditions (PMID: 31135052, 31429931). This suggests that this residue is clinically significant, and that variants that disrupt this residue are likely to be disease-causing. For these reasons, this variant has been classified as Pathogenic. This sequence change affects the initiator methionine of the FA2H mRNA. The next in-frame methionine is located at codon 93.

Literature cited by the submitters: PubMed 31135052; PubMed 31429931.

NM_024306.5(FA2H):c.2T>C (p.Met1Thr)

Genes: FA2H (fatty acid 2-hydroxylase; minus strand), LOC130059394 (ATAC-STARR-seq lymphoblastoid silent region 7701; plus strand). Cytogenetic location: 16q23.1.
Variant type: single nucleotide variant.
Coding change: c.2T>C on transcript NM_024306.5 (MANE Select); coding-DNA position 2, T replaced by C.
Protein change: p.Met1Thr; changes the start codon (methionine 1).
Molecular consequence: missense variant, initiator codon variant.
Genome position (GRCh38, 1-based): chr16:74,774,754, A>G on the plus strand (T>C on the coding strand, the complement: FA2H is on the minus strand). VCF-style: chr16-74774754-A-G. GRCh37 (hg19) VCF-style: chr16-74808652-A-G.
Other names: short protein forms M1T.
Identifiers: ClinVar variation 458306 (VCV000458306.9), dbSNP rs1555542889, ClinGen allele CA396768611.